The following is an entry in ClinVar:

ClinVar aggregate classification (germline): Uncertain significance (1 of 4 stars; one submission).

Allele frequency attached by ClinVar (database versions not stated): ExAC 0.00001.
gnomAD v4.1: 8 of 1,599,334 alleles (0.0005%); highest among the groups gnomAD compares: Non-Finnish European, 0.00068%; no homozygotes.

Submission:

Labcorp Genetics (formerly Invitae), Labcorp
Classification: Uncertain significance. Last evaluated: 2024-01-30. Review status: criteria provided, single submitter. Criteria: Invitae Variant Classification Sherloc (09022015). Collection method: clinical testing. Allele origin: germline.
Comment: This sequence change replaces serine, which is neutral and polar, with alanine, which is neutral and non-polar, at codon 491 of the AGAP1 protein (p.Ser491Ala). This variant is present in population databases (rs747394034, gnomAD 0.0009%). This variant has not been reported in the literature in individuals affected with AGAP1-related conditions. An algorithm developed to predict the effect of missense changes on protein structure and function (PolyPhen-2) suggests that this variant is likely to be disruptive. In summary, the available evidence is currently insufficient to determine the role of this variant in disease. Therefore, it has been classified as a Variant of Uncertain Significance.

NM_001037131.3(AGAP1):c.1630T>G (p.Ser544Ala)

Gene: AGAP1 (ArfGAP with GTPase domain, ankyrin repeat and PH domain 1; plus strand). Cytogenetic location: 2q37.2.
Variant type: single nucleotide variant.
Coding change: c.1630T>G on transcript NM_001037131.3 (MANE Select); coding-DNA position 1630, T replaced by G.
Protein change: p.Ser544Ala; replaces serine 544 with alanine.
Molecular consequence: missense variant.
Genome position (GRCh38, 1-based): chr2:235,968,608, T>G. VCF-style: chr2-235968608-T-G. GRCh37 (hg19) VCF-style: chr2-236877252-T-G.
Other names: c.1471T>G, p.Ser491Ala (NM_014914.5); short protein forms S491A, S544A.
Identifiers: ClinVar variation 2872321 (VCV002872321.3), dbSNP rs747394034, ClinGen allele CA2184931.